The following is an entry in ClinVar:

NM_001378457.1(DMXL2):c.2327A>G (p.Asn776Ser)

Gene: DMXL2 (Dmx like 2; minus strand). Cytogenetic location: 15q21.2.
Variant type: single nucleotide variant.
Coding change: c.2327A>G on transcript NM_001378457.1 (MANE Select); coding-DNA position 2327, A replaced by G.
Protein change: p.Asn776Ser; replaces asparagine 776 with serine.
Molecular consequence: missense variant. On other transcripts: non-coding transcript variant (2).
Genome position (GRCh38, 1-based): chr15:51,535,772, T>C on the plus strand (A>G on the coding strand, the complement: DMXL2 is on the minus strand). VCF-style: chr15-51535772-T-C. GRCh37 (hg19) VCF-style: chr15-51827969-T-C.
Other names: c.2327A>G, p.Asn776Ser (NM_001378460.1, NM_001378461.1, NM_001378462.1 and 6 more transcripts); c.2087A>G, p.Asn696Ser (NM_001378464.1); c.2327A>G (NM_001174116.1); short protein forms N696S, N776S.
Identifiers: ClinVar variation 3612441 (VCV003612441.2).

ClinVar aggregate classification (germline): Uncertain significance. Review status: criteria provided, multiple submitters, no conflicts (2 of 4 stars). 2 submissions from 2 submitters: Uncertain significance (2). Last evaluated 2025-12-08.

Conditions:
Inborn genetic diseases. Identifiers: MedGen C0950123, MeSH D030342.

gnomAD v4.1: 7 of 1,608,698 alleles (0.00044%); highest among the groups gnomAD compares: East Asian, 0.0022%; no homozygotes.

Submissions (2):

Ambry Genetics
Classification: Uncertain significance for Inborn genetic diseases. Last evaluated: 2025-12-08. Review status: criteria provided, single submitter. Criteria: Ambry Variant Classification Scheme 2023. Collection method: clinical testing. Allele origin: germline.

Labcorp Genetics (formerly Invitae), Labcorp
Classification: Uncertain significance. Last evaluated: 2024-02-05. Review status: criteria provided, single submitter. Criteria: Invitae Variant Classification Sherloc (09022015). Collection method: clinical testing. Allele origin: germline.
Comment: This sequence change replaces asparagine, which is neutral and polar, with serine, which is neutral and polar, at codon 776 of the DMXL2 protein (p.Asn776Ser). This variant is not present in population databases (gnomAD no frequency). This variant has not been reported in the literature in individuals affected with DMXL2-related conditions. An algorithm developed to predict the effect of missense changes on protein structure and function (PolyPhen-2) suggests that this variant is likely to be disruptive. In summary, the available evidence is currently insufficient to determine the role of this variant in disease. Therefore, it has been classified as a Variant of Uncertain Significance.